The following is an entry in ClinVar:

NM_000373.4(UMPS):c.*2614G>A

Gene: UMPS (uridine monophosphate synthetase; plus strand). Cytogenetic location: 3q21.2.
Variant type: single nucleotide variant.
Coding change: c.*2614G>A on transcript NM_000373.4 (MANE Select); 2614 bases downstream of the stop codon, G replaced by A.
Molecular consequence: 3 prime UTR variant. On other transcripts: non-coding transcript variant (2).
Genome position (GRCh38, 1-based): chr3:124,746,698, G>A. VCF-style: chr3-124746698-G-A. GRCh37 (hg19) VCF-style: chr3-124465545-G-A.
Identifiers: ClinVar variation 342977 (VCV000342977.5), dbSNP rs4677940, ClinGen allele CA2582040.

ClinVar aggregate classification (germline): Benign (1 of 4 stars; one submission).

Conditions:
Oroticaciduria. Also called: Orotic aciduria. Identifiers: Orphanet 30, MedGen C0268128, HP:0003218.

Allele frequency attached by ClinVar (database versions not stated): TOPMed 0.17597; 1000 Genomes Project 0.18251; ExAC 0.19316; gnomAD 0.17498 and 0.17342; gnomAD exomes 0.19961; 1000 Genomes Project 30x 0.18379.
gnomAD v4.1: 83,419 of 451,962 alleles (18%); highest among the groups gnomAD compares: Admixed American, 29%; 8,551 homozygotes.

Submission:

Illumina Laboratory Services, Illumina
Classification: Benign for Hereditary orotic aciduria. Last evaluated: 2018-01-13. Review status: criteria provided, single submitter. Criteria: ICSL Variant Classification Criteria 13 December 2019. Collection method: clinical testing. Allele origin: germline.
Comment: This variant was observed in the ICSL laboratory as part of a predisposition screen in an ostensibly healthy population. It had not been previously curated by ICSL or reported in the Human Gene Mutation Database (HGMD: prior to June 1st, 2018), and was therefore a candidate for classification through an automated scoring system. Utilizing variant allele frequency, disease prevalence and penetrance estimates, and inheritance mode, an automated score was calculated to assess if this variant is too frequent to cause the disease. Based on the score and internal cut-off values, a variant classified as benign is not then subjected to further curation. The score for this variant resulted in a classification of benign for this disease.